The following is an entry in ClinVar:

ClinVar aggregate classification (germline): Uncertain significance (1 of 4 stars; one submission).

Submission:

Labcorp Genetics (formerly Invitae), Labcorp
Classification: Uncertain significance. Last evaluated: 2025-02-10. Review status: criteria provided, single submitter. Criteria: Invitae Variant Classification Sherloc (09022015). Collection method: clinical testing. Allele origin: germline.
Comment: This sequence change replaces proline, which is neutral and non-polar, with leucine, which is neutral and non-polar, at codon 155 of the HOXA13 protein (p.Pro155Leu). This variant is not present in population databases (gnomAD no frequency). This variant has not been reported in the literature in individuals affected with HOXA13-related conditions. Invitae Evidence Modeling of protein sequence and biophysical properties (such as structural, functional, and spatial information, amino acid conservation, physicochemical variation, residue mobility, and thermodynamic stability) indicates that this missense variant is not expected to disrupt HOXA13 protein function with a negative predictive value of 80%. In summary, the available evidence is currently insufficient to determine the role of this variant in disease. Therefore, it has been classified as a Variant of Uncertain Significance.

NM_000522.5(HOXA13):c.464C>T (p.Pro155Leu)

Genes: HOXA13 (homeobox A13; minus strand), LOC107126288 (NUP98-HOXA13 recombination region; plus strand). Cytogenetic location: 7p15.2.
Variant type: single nucleotide variant.
Coding change: c.464C>T on transcript NM_000522.5 (MANE Select); coding-DNA position 464, C replaced by T.
Protein change: p.Pro155Leu; replaces proline 155 with leucine.
Molecular consequence: missense variant.
Genome position (GRCh38, 1-based): chr7:27,199,614, G>A on the plus strand (C>T on the coding strand, the complement: HOXA13 is on the minus strand). VCF-style: chr7-27199614-G-A. GRCh37 (hg19) VCF-style: chr7-27239233-G-A.
Other names: short protein forms P155L.
Identifiers: ClinVar variation 4741932 (VCV004741932.1).